The following is an entry in ClinVar:

NM_004369.4(COL6A3):c.1921A>G (p.Ile641Val)

Gene: COL6A3 (collagen type VI alpha 3 chain; minus strand). Cytogenetic location: 2q37.3.
Variant type: single nucleotide variant.
Coding change: c.1921A>G on transcript NM_004369.4 (MANE Select); coding-DNA position 1921, A replaced by G.
Protein change: p.Ile641Val; replaces isoleucine 641 with valine.
Molecular consequence: missense variant. On other transcripts: intron variant (1).
Genome position (GRCh38, 1-based): chr2:237,379,212, T>C on the plus strand (A>G on the coding strand, the complement: COL6A3 is on the minus strand). VCF-style: chr2-237379212-T-C. GRCh37 (hg19) VCF-style: chr2-238287855-T-C.
Other names: c.700A>G, p.Ile234Val (NM_057164.5); c.1303A>G, p.Ile435Val (NM_057165.5, NM_057167.4); c.676+1703A>G (NM_057166.5); short protein forms I234V, I435V, I641V.
Identifiers: ClinVar variation 3376369 (VCV003376369.1).

ClinVar aggregate classification (germline): Uncertain significance (1 of 4 stars; one submission).

Conditions:
Ullrich congenital muscular dystrophy 1A. Also called: Intermediate COL6-RD; Ullrich congenital muscular dystrophy 1. Identifiers: Orphanet 75840, MedGen C0410179, MONDO:0009681, OMIM 254090.

gnomAD v4.1: 11 of 1,614,014 alleles (0.00068%); highest among the groups gnomAD compares: Non-Finnish European, 0.00093%; no homozygotes.

Submission:

Pittsburgh Clinical Genomics Laboratory, University of Pittsburgh Medical Center
Classification: Uncertain significance for Ullrich congenital muscular dystrophy 1A. Last evaluated: 2024-02-01. Review status: criteria provided, single submitter. Criteria: ACMG Guidelines, 2015. Collection method: clinical testing. Allele origin: germline. Inheritance: Autosomal unknown. Affected: yes.
Comment: This sequence variant is a single nucleotide substitution (A>G) at position 1921 of the coding sequence of the COL6A3 gene that results in an isoleucine to valine amino acid change at residue 641 of the collagen type VI alpha 3 chain protein. The 641 residue falls in the fourth von Willebrand factor (vWF) type A domain (UniProt). This variant is absent from ClinVar and has not been observed in individuals affected by a COL6A3-related disorder in the published literature, to our knowledge. This variant is present in 11 of 1614014 alleles (0.0007%) in the gnomAD v4.0.0 population dataset. Multiple bioinformatic tools predict that this isoleucine to valine amino acid change would be neutral, and the Ile641 residue at this position is highly conserved across the vertebrate species examined. Studies examining the functional consequence of this variant have not been published, to our knowledge. At this time, there is insufficient evidence to determine if this variant is pathogenic or benign. Therefore, we consider this a variant of uncertain significance. ACMG Criteria: PM2